The following is an entry in ClinVar:

ClinVar aggregate classification (germline): Conflicting classifications of pathogenicity. Review status: criteria provided, conflicting classifications (1 of 4 stars). 3 submissions from 3 submitters: Uncertain significance (2); Likely benign (1). Last evaluated 2025-10-27.

Conditions:
Hereditary cancer-predisposing syndrome. Also called: Tumor predisposition; Hereditary neoplastic syndrome; Neoplastic Syndromes, Hereditary; Hereditary Cancer Syndrome. Identifiers: Orphanet 140162, MedGen C0027672, MeSH D009386, MONDO:0015356.

Allele frequency attached by ClinVar (database versions not stated): TOPMed below 0.00001.

Submissions (3):

Labcorp Genetics (formerly Invitae), Labcorp
Classification: Uncertain significance. Last evaluated: 2025-10-27. Review status: criteria provided, single submitter. Criteria: Invitae Variant Classification Sherloc (09022015). Collection method: clinical testing. Allele origin: germline.
Comment: This sequence change replaces histidine, which is basic and polar, with arginine, which is basic and polar, at codon 199 of the NTHL1 protein (p.His199Arg). This variant is present in population databases (no rsID available, gnomAD 0.003%). This variant has not been reported in the literature in individuals affected with NTHL1-related conditions. ClinVar contains an entry for this variant (Variation ID: 860049). An algorithm developed to predict the effect of missense changes on protein structure and function outputs the following: PolyPhen-2: "Benign". The arginine amino acid residue is found in multiple mammalian species, which suggests that this missense change does not adversely affect protein function. In summary, the available evidence is currently insufficient to determine the role of this variant in disease. Therefore, it has been classified as a Variant of Uncertain Significance.

GeneDx
Classification: Uncertain significance. Last evaluated: 2024-06-11. Review status: criteria provided, single submitter. Criteria: GeneDx Variant Classification Process June 2021. Collection method: clinical testing. Allele origin: germline. Affected: yes.
Comment: Not observed at significant frequency in large population cohorts (gnomAD); In silico analysis indicates that this missense variant does not alter protein structure/function; Has not been previously published as pathogenic or benign to our knowledge

Ambry Genetics
Classification: Likely benign for Hereditary cancer-predisposing syndrome. Last evaluated: 2020-09-11. Review status: criteria provided, single submitter. Criteria: Ambry Variant Classification Scheme 2023. Collection method: clinical testing. Allele origin: germline.

NM_002528.7(NTHL1):c.572A>G (p.His191Arg)

Gene: NTHL1 (nth like DNA glycosylase 1; minus strand). Cytogenetic location: 16p13.3.
Variant type: single nucleotide variant.
Coding change: c.572A>G on transcript NM_002528.7 (MANE Select); coding-DNA position 572, A replaced by G.
Protein change: p.His191Arg; replaces histidine 191 with arginine.
Molecular consequence: missense variant.
Genome position (GRCh38, 1-based): chr16:2,043,680, T>C on the plus strand (A>G on the coding strand, the complement: NTHL1 is on the minus strand). VCF-style: chr16-2043680-T-C. GRCh37 (hg19) VCF-style: chr16-2093681-T-C.
Other names: c.401A>G, p.His134Arg (NM_001318193.2); c.242A>G, p.His81Arg (NM_001318194.2); short protein forms H134R, H191R, H81R.
Identifiers: ClinVar variation 860049 (VCV000860049.11), dbSNP rs1226532313, ClinGen allele CA394292003.